The following is an entry in ClinVar:

ClinVar aggregate classification (germline): Pathogenic (1 of 4 stars; one submission).

Conditions:
Fanconi anemia (FA). Also called: Fanconi's anemia. Identifiers: Orphanet 84, MedGen C0015625, MeSH D005199, MONDO:0019391.

Submission:

Labcorp Genetics (formerly Invitae), Labcorp
Classification: Pathogenic for Fanconi anemia. Last evaluated: 2022-06-12. Review status: criteria provided, single submitter. Criteria: Invitae Variant Classification Sherloc (09022015). Collection method: clinical testing. Allele origin: germline.
Comment: For these reasons, this variant has been classified as Pathogenic. This variant has not been reported in the literature in individuals affected with FANCM-related conditions. This variant is not present in population databases (gnomAD no frequency). This sequence change creates a premature translational stop signal (p.Asn1317Lysfs*2) in the FANCM gene. It is expected to result in an absent or disrupted protein product. Loss-of-function variants in FANCM are known to be pathogenic (PMID: 29895858, 30075111).

Literature cited by the submitters: PubMed 29895858; PubMed 30075111.

NM_020937.4(FANCM):c.3950dup (p.Asn1317fs)

Gene: FANCM (FA complementation group M; plus strand). Cytogenetic location: 14q21.2.
Variant type: Duplication.
Coding change: c.3950dup on transcript NM_020937.4 (MANE Select); coding-DNA position 3950, one base duplicated (A; older notation c.3950dupA).
Protein change: p.Asn1317fs; shifts the reading frame from asparagine 1317.
Molecular consequence: frameshift variant.
Genome position (GRCh38, 1-based): chr14:45,176,704, A duplicated; the last of 6 consecutive A bases (chr14:45,176,699-45,176,704); duplicating any one gives the same sequence. VCF-style (leftmost placement, unchanged base first): chr14-45176698-C-CA. GRCh37 (hg19) VCF-style: chr14-45645901-C-CA.
Other names: c.3872dup, p.Asn1291fs (NM_001308133.2); short protein forms N1317fs, N1291fs.
Identifiers: ClinVar variation 1391622 (VCV001391622.6), dbSNP rs2139252496, ClinGen allele CA2573149948.